The following is an entry in ClinVar:

NM_033380.3(COL4A5):c.4574dup (p.Met1525fs)

Gene: COL4A5 (collagen type IV alpha 5 chain; plus strand). Cytogenetic location: Xq22.3.
Variant type: Duplication.
Coding change: c.4574dup on transcript NM_033380.3 (MANE Select); coding-DNA position 4574, one base duplicated (T; older notation c.4574dupT).
Protein change: p.Met1525fs; shifts the reading frame from methionine 1525.
Molecular consequence: frameshift variant.
Genome position (GRCh38, 1-based): chrX:108,692,793, T duplicated. VCF-style (leftmost placement, unchanged base first): chrX-108692792-A-AT. GRCh37 (hg19) VCF-style: chrX-107936022-A-AT.
Other names: c.4556dup, p.Met1519fs (NM_000495.5); short protein forms M1519fs, M1525fs.
Identifiers: ClinVar variation 1365997 (VCV001365997.6), dbSNP rs2147998416, ClinGen allele CA2573159119.

ClinVar aggregate classification (germline): Pathogenic (1 of 4 stars; one submission).

Submission:

Labcorp Genetics (formerly Invitae), Labcorp
Classification: Pathogenic. Last evaluated: 2021-07-28. Review status: criteria provided, single submitter. Criteria: Invitae Variant Classification Sherloc (09022015). Collection method: clinical testing. Allele origin: germline.
Comment: For these reasons, this variant has been classified as Pathogenic. This variant has not been reported in the literature in individuals affected with COL4A5-related conditions. This variant is not present in population databases (ExAC no frequency). This sequence change creates a premature translational stop signal (p.Met1519Ilefs*7) in the COL4A5 gene. It is expected to result in an absent or disrupted protein product. Loss-of-function variants in COL4A5 are known to be pathogenic (PMID: 9195222, 10752524, 14514738, 24854265, 26809805).

Literature cited by the submitters: PubMed 9195222; PubMed 10752524; PubMed 14514738; PubMed 24854265; PubMed 26809805.